The following is an entry in ClinVar:

NM_001042492.3(NF1):c.790G>A (p.Ala264Thr)

Gene: NF1 (neurofibromin 1; plus strand). Cytogenetic location: 17q11.2.
Variant type: single nucleotide variant.
Coding change: c.790G>A on transcript NM_001042492.3 (MANE Select); coding-DNA position 790, G replaced by A.
Protein change: p.Ala264Thr; replaces alanine 264 with threonine.
Molecular consequence: missense variant.
Genome position (GRCh38, 1-based): chr17:31,182,567, G>A. VCF-style: chr17-31182567-G-A. GRCh37 (hg19) VCF-style: chr17-29509585-G-A.
Other names: c.790G>A, p.Ala264Thr (NM_000267.4, NM_001128147.3); short protein forms A264T.
Identifiers: ClinVar variation 2452316 (VCV002452316.2), dbSNP rs2143785679, ClinGen allele CA398990854.
Genomic context (GRCh38, chr17:31,182,567, plus strand): 5'-GAATGTGCAGAAAAGCTATTTGACTTGGTGGATGGTTTTGCTGAAAGCACCAAACGTAAA[G>A]CAGCAGTTTGGCCACTACAAATCATTCTCCTTATCTTGTGTCCAGAAATAATCCAGGATA-3'
Protein context (NP_001035957.1, residues 254-274): DGFAESTKRK[Ala264Thr]AVWPLQIILL

ClinVar aggregate classification (germline): Uncertain significance (1 of 4 stars; one submission).

Conditions:
Hereditary cancer-predisposing syndrome. Also called: Neoplastic Syndromes, Hereditary; Tumor predisposition; Hereditary neoplastic syndrome; Hereditary Cancer Syndrome. Identifiers: Orphanet 140162, MedGen C0027672, MeSH D009386, MONDO:0015356.
Cardiovascular phenotype. Identifiers: MedGen CN230736.

Submission:

Ambry Genetics
Classification: Uncertain significance for Cardiovascular phenotype; Hereditary cancer-predisposing syndrome. Last evaluated: 2023-03-01. Review status: criteria provided, single submitter. Criteria: Ambry Variant Classification Scheme 2023. Collection method: clinical testing. Allele origin: germline.
Comment: The p.A264T variant (also known as c.790G>A), located in coding exon 8 of the NF1 gene, results from a G to A substitution at nucleotide position 790. The alanine at codon 264 is replaced by threonine, an amino acid with similar properties. This amino acid position is highly conserved in available vertebrate species. In addition, the in silico prediction for this alteration is inconclusive. Since supporting evidence is limited at this time, the clinical significance of this alteration remains unclear.